The following is an entry in ClinVar:

ClinVar aggregate classification (germline): Pathogenic (1 of 4 stars; one submission).

Conditions:
Menke-Hennekam syndrome 1 (MKHK1). Identifiers: MedGen C5193034, MONDO:0020763, OMIM 618332.

Submission:

Molecular Genetics Laboratory, Motol Hospital
Classification: Pathogenic for Menke-Hennekam syndrome 1. Last evaluated: 2025-05-02. Review status: criteria provided, single submitter. Criteria: ACMG Guidelines, 2015. Collection method: clinical testing. Allele origin: de novo. Affected: yes. Observed: 1 variant allele.
Comment: Not present in gnomAD (v4.1.0), dbSNP or ClinVar (PM2). Rare in-frame deletion located within the mutational hotspot at the beginning of the exon 31 of the CREBBP gene (PM1, PM4). Rare variants affecting the exon 30 and the beginning of exon 31 of the CREBBP gene are documented as a molecular cause of autosomal dominant "Menke-Hennekam syndrome 1" (MKHK1, MIM:618332; PMID:27311832;PMID:38553851;PMID:34652060;PMID:37246193).To conclude, the variant is classified as pathogenic (ACMG PM4, PS2, PM2, PM1).

Literature cited by the submitters: PubMed 27311832; PubMed 38553851; PubMed 34652060; PubMed 37246193.

NM_004380.3(CREBBP):c.5227_5229del (p.Val1743del)

Gene: CREBBP (CREB binding protein; minus strand). Cytogenetic location: 16p13.3.
Variant type: Deletion.
Coding change: c.5227_5229del on transcript NM_004380.3 (MANE Select); coding-DNA positions 5227 to 5229, 3 bases deleted (GTG; older notation c.5227_5229delGTG).
Protein change: p.Val1743del; deletes valine 1743.
Genome position (GRCh38, 1-based): chr16:3,729,818-3,729,820, CAC deleted on the plus strand (GTG on the coding strand, the reverse complement: CREBBP is on the minus strand); deleting any 3 consecutive bases within chr16:3,729,818-3,729,822 gives the same sequence; the c. name uses the placement nearest the transcript's 3' end. VCF-style (leftmost placement, unchanged base first): chr16-3729817-TCAC-T. GRCh37 (hg19) VCF-style: chr16-3779818-TCAC-T.
Other names: c.5113_5115del, p.Val1705del (NM_001079846.1); short protein forms V1705del, V1743del.
Identifiers: ClinVar variation 3895541 (VCV003895541.1).